The following is an entry in ClinVar:

ClinVar aggregate classification (germline): Uncertain significance (1 of 4 stars; one submission).

Conditions:
Norman-Roberts syndrome (LIS2). Also called: Lissencephaly 2 (Norman-Roberts type). Identifiers: Orphanet 89844, MedGen C0796089, MONDO:0009760, OMIM 257320.
Familial temporal lobe epilepsy 7. Identifiers: Orphanet 101046, MedGen C4225327, MONDO:0014639, OMIM 616436.

Allele frequency attached by ClinVar (database versions not stated): gnomAD exomes below 0.00001 and 0.00001; TOPMed below 0.00001; gnomAD 0.00001; ExAC 0.00002; 1000 Genomes Project 30x 0.00016; 1000 Genomes Project 0.00020.
gnomAD v4.1: 4 of 1,612,894 alleles (0.00025%); highest among the groups gnomAD compares: Admixed American, 0.0033%; no homozygotes.

Submission:

Labcorp Genetics (formerly Invitae), Labcorp
Classification: Uncertain significance for Familial temporal lobe epilepsy 7; Norman-Roberts syndrome. Last evaluated: 2023-07-04. Review status: criteria provided, single submitter. Criteria: Invitae Variant Classification Sherloc (09022015). Collection method: clinical testing. Allele origin: germline.
Comment: This variant is present in population databases (rs560897786, gnomAD 0.006%). This sequence change replaces phenylalanine, which is neutral and non-polar, with leucine, which is neutral and non-polar, at codon 2757 of the RELN protein (p.Phe2757Leu). This variant has not been reported in the literature in individuals affected with RELN-related conditions. ClinVar contains an entry for this variant (Variation ID: 1000975). Advanced modeling of protein sequence and biophysical properties (such as structural, functional, and spatial information, amino acid conservation, physicochemical variation, residue mobility, and thermodynamic stability) performed at Invitae indicates that this missense variant is not expected to disrupt RELN protein function. In summary, the available evidence is currently insufficient to determine the role of this variant in disease. Therefore, it has been classified as a Variant of Uncertain Significance.

NM_005045.4(RELN):c.8269T>C (p.Phe2757Leu)

Genes: SLC26A5-AS1 (SLC26A5 antisense RNA 1; plus strand), RELN (reelin; minus strand). Cytogenetic location: 7q22.1.
Variant type: single nucleotide variant.
Coding change: c.8269T>C on transcript NM_005045.4 (MANE Select); coding-DNA position 8269, T replaced by C.
Protein change: p.Phe2757Leu; replaces phenylalanine 2757 with leucine.
Molecular consequence: missense variant.
Genome position (GRCh38, 1-based): chr7:103,510,856, A>G on the plus strand (T>C on the coding strand, the complement: RELN is on the minus strand). VCF-style: chr7-103510856-A-G. GRCh37 (hg19) VCF-style: chr7-103151303-A-G.
Other names: c.8269T>C, p.Phe2757Leu (NM_173054.3); short protein forms F2757L.
Identifiers: ClinVar variation 1000975 (VCV001000975.9), dbSNP rs560897786, ClinGen allele CA4420523.